The following is an entry in ClinVar:

NM_176787.5(PIGN):c.1708G>A (p.Ala570Thr)

Gene: PIGN (phosphatidylinositol glycan anchor biosynthesis class N; minus strand). Cytogenetic location: 18q21.33.
Variant type: single nucleotide variant.
Coding change: c.1708G>A on transcript NM_176787.5 (MANE Select); coding-DNA position 1708, G replaced by A.
Protein change: p.Ala570Thr; replaces alanine 570 with threonine.
Molecular consequence: missense variant.
Genome position (GRCh38, 1-based): chr18:62,106,848, C>T on the plus strand (G>A on the coding strand, the complement: PIGN is on the minus strand). VCF-style: chr18-62106848-C-T. GRCh37 (hg19) VCF-style: chr18-59774081-C-T.
Other names: c.1708G>A, p.Ala570Thr (NM_012327.6); short protein forms A570T.
Identifiers: ClinVar variation 842295 (VCV000842295.11), dbSNP rs527249979, ClinGen allele CA8982193.

ClinVar aggregate classification (germline): Uncertain significance. Review status: criteria provided, multiple submitters, no conflicts (2 of 4 stars). 3 submissions from 3 submitters: Uncertain significance (3). Last evaluated 2025-11-05.

Conditions:
Multiple congenital anomalies-hypotonia-seizures syndrome 1 (MCAHS1). Also called: PIGN-CDG; Congenital disorder of glycosylation due to PIGN deficiency; GLYCOSYLPHOSPHATIDYLINOSITOL BIOSYNTHESIS DEFECT 3. Identifiers: Orphanet 280633, MedGen C3279775, MONDO:0013563, OMIM 614080.
Inborn genetic diseases. Identifiers: MedGen C0950123, MeSH D030342.

Allele frequency attached by ClinVar (database versions not stated): gnomAD exomes 0.00003; ExAC 0.00004; 1000 Genomes Project 30x 0.00016; 1000 Genomes Project 0.00020; TOPMed 0.00004; gnomAD 0.00006.

Submissions (3):

Ambry Genetics
Classification: Uncertain significance for Inborn genetic diseases. Last evaluated: 2025-11-05. Review status: criteria provided, single submitter. Criteria: Ambry Variant Classification Scheme 2023. Collection method: clinical testing. Allele origin: germline.

Labcorp Genetics (formerly Invitae), Labcorp
Classification: Uncertain significance for Multiple congenital anomalies-hypotonia-seizures syndrome 1. Last evaluated: 2022-08-09. Review status: criteria provided, single submitter. Criteria: Invitae Variant Classification Sherloc (09022015). Collection method: clinical testing. Allele origin: germline.
Comment: This sequence change replaces alanine, which is neutral and non-polar, with threonine, which is neutral and polar, at codon 570 of the PIGN protein (p.Ala570Thr). This variant is present in population databases (rs527249979, gnomAD 0.005%). This variant has not been reported in the literature in individuals affected with PIGN-related conditions. ClinVar contains an entry for this variant (Variation ID: 842295). Algorithms developed to predict the effect of missense changes on protein structure and function (SIFT, PolyPhen-2, Align-GVGD) all suggest that this variant is likely to be tolerated. In summary, the available evidence is currently insufficient to determine the role of this variant in disease. Therefore, it has been classified as a Variant of Uncertain Significance.

GeneDx
Classification: Uncertain significance. Last evaluated: 2019-08-21. Review status: criteria provided, single submitter. Criteria: GeneDx Variant Classification Process June 2021. Collection method: clinical testing. Allele origin: germline. Affected: yes.
Comment: Not observed at a significant frequency in large population cohorts (Lek et al., 2016); In silico analysis, which includes protein predictors and evolutionary conservation, supports that this variant does not alter protein structure/function; Has not been previously published as pathogenic or benign to our knowledge